The following is an entry in ClinVar:

NM_014679.5(CEP57):c.1292A>C (p.Glu431Ala)

Gene: CEP57 (centrosomal protein 57; plus strand). Cytogenetic location: 11q21.
Variant type: single nucleotide variant.
Coding change: c.1292A>C on transcript NM_014679.5 (MANE Select); coding-DNA position 1292, A replaced by C.
Protein change: p.Glu431Ala; replaces glutamic acid 431 with alanine.
Molecular consequence: missense variant.
Genome position (GRCh38, 1-based): chr11:95,831,045, A>C. VCF-style: chr11-95831045-A-C. GRCh37 (hg19) VCF-style: chr11-95564209-A-C.
Other names: c.1265A>C, p.Glu422Ala (NM_001243776.2); c.1214A>C, p.Glu405Ala (NM_001243777.2); c.1211A>C, p.Glu404Ala (NM_001363604.2); short protein forms E431A, E404A, E422A, E405A.
Identifiers: ClinVar variation 539586 (VCV000539586.11), dbSNP rs367799359, ClinGen allele CA226588289.

ClinVar aggregate classification (germline): Uncertain significance. Review status: criteria provided, multiple submitters, no conflicts (2 of 4 stars). 2 submissions from 2 submitters: Uncertain significance (2). Last evaluated 2024-11-25.

Conditions:
Inborn genetic diseases. Identifiers: MedGen C0950123, MeSH D030342.
Mosaic variegated aneuploidy syndrome 2 (MVA2). Identifiers: Orphanet 1052, MedGen C3279843, MONDO:0013582, OMIM 614114.

Allele frequency attached by ClinVar (database versions not stated): gnomAD exomes 0.00002; TOPMed 0.00002; gnomAD 0.00002; ESP Exome Variant Server 0.00008.
gnomAD v4.1: 30 of 1,611,990 alleles (0.0019%); highest among the groups gnomAD compares: Non-Finnish European, 0.0024%; no homozygotes.

Submissions (2):

Ambry Genetics
Classification: Uncertain significance for Inborn genetic diseases. Last evaluated: 2024-11-25. Review status: criteria provided, single submitter. Criteria: Ambry Variant Classification Scheme 2023. Collection method: clinical testing. Allele origin: germline.
Comment: The p.E431A variant (also known as c.1292A>C), located in coding exon 11 of the CEP57 gene, results from an A to C substitution at nucleotide position 1292. The glutamic acid at codon 431 is replaced by alanine, an amino acid with dissimilar properties. This amino acid position is conserved. In addition, this alteration is predicted to be tolerated by in silico analysis. Based on the available evidence, the clinical significance of this variant remains unclear.

Labcorp Genetics (formerly Invitae), Labcorp
Classification: Uncertain significance for Mosaic variegated aneuploidy syndrome 2. Last evaluated: 2024-06-12. Review status: criteria provided, single submitter. Criteria: Invitae Variant Classification Sherloc (09022015). Collection method: clinical testing. Allele origin: germline.
Comment: This sequence change replaces glutamic acid, which is acidic and polar, with alanine, which is neutral and non-polar, at codon 431 of the CEP57 protein (p.Glu431Ala). This variant is present in population databases (rs367799359, gnomAD 0.01%). This variant has not been reported in the literature in individuals affected with CEP57-related conditions. ClinVar contains an entry for this variant (Variation ID: 539586). Advanced modeling of protein sequence and biophysical properties (such as structural, functional, and spatial information, amino acid conservation, physicochemical variation, residue mobility, and thermodynamic stability) performed at Invitae indicates that this missense variant is not expected to disrupt CEP57 protein function with a negative predictive value of 80%. In summary, the available evidence is currently insufficient to determine the role of this variant in disease. Therefore, it has been classified as a Variant of Uncertain Significance.